The following is an entry in ClinVar:

NM_002878.4(RAD51D):c.641C>T (p.Pro214Leu)

Genes: RAD51D (RAD51 paralog D; minus strand), RAD51L3-RFFL (RAD51L3-RFFL readthrough; minus strand). Cytogenetic location: 17q12.
Variant type: single nucleotide variant.
Coding change: c.641C>T on transcript NM_002878.4 (MANE Select); coding-DNA position 641, C replaced by T.
Protein change: p.Pro214Leu; replaces proline 214 with leucine.
Molecular consequence: missense variant. On other transcripts: non-coding transcript variant (3).
Genome position (GRCh38, 1-based): chr17:35,103,480, G>A on the plus strand (C>T on the coding strand, the complement: RAD51D is on the minus strand). VCF-style: chr17-35103480-G-A. GRCh37 (hg19) VCF-style: chr17-33430499-G-A.
Other names: c.305C>T (NM_133629.2); c.701C>T, p.Pro234Leu (NM_001142571.2); c.305C>T, p.Pro102Leu (NM_133629.3); short protein forms P214L, P102L, P234L.
Identifiers: ClinVar variation 574602 (VCV000574602.16), dbSNP rs910355512, ClinGen allele CA399087879.

ClinVar aggregate classification (germline): Uncertain significance. Review status: criteria provided, multiple submitters, no conflicts (2 of 4 stars). 5 submissions from 5 submitters: Uncertain significance (5). Last evaluated 2025-12-01.

Conditions:
Breast-ovarian cancer, familial, susceptibility to, 4. Identifiers: Orphanet 145, MedGen C3280345, MONDO:0013669, OMIM 614291.
Hereditary cancer-predisposing syndrome. Also called: Neoplastic Syndromes, Hereditary; Hereditary Cancer Syndrome; Hereditary neoplastic syndrome; Tumor predisposition. Identifiers: Orphanet 140162, MedGen C0027672, MeSH D009386, MONDO:0015356.

Allele frequency attached by ClinVar (database versions not stated): gnomAD exomes below 0.00001.
gnomAD v4.1: 2 of 1,614,084 alleles (0.00012%); highest among the groups gnomAD compares: Non-Finnish European, 0.00017%; no homozygotes.

Submissions (5):

KCCC/NGS Laboratory, Kuwait Cancer Control Center
Classification: Uncertain significance for Breast-ovarian cancer, familial, susceptibility to, 4. Last evaluated: 2025-12-01. Review status: criteria provided, single submitter. Criteria: ACMG Guidelines, 2015. Collection method: clinical testing. Allele origin: germline. Inheritance: Autosomal dominant inheritance. Affected: yes.
Comment: the available evidence is currently insufficient to determine the role of this variant in disease. Therefore, it has been classified as a Variant of Uncertain Significance. The diagnosis of hereditary cancer syndrome is not confirmed.

Ambry Genetics
Classification: Uncertain significance for Hereditary cancer-predisposing syndrome. Last evaluated: 2024-11-22. Review status: criteria provided, single submitter. Criteria: Ambry Variant Classification Scheme 2023. Collection method: clinical testing. Allele origin: germline.
Comment: The p.P214L variant (also known as c.641C>T), located in coding exon 7 of the RAD51D gene, results from a C to T substitution at nucleotide position 641. The proline at codon 214 is replaced by leucine, an amino acid with similar properties. This amino acid position is highly conserved in available vertebrate species. In addition, this alteration is predicted to be deleterious by in silico analysis. Based on the available evidence, the clinical significance of this variant remains unclear.

Labcorp Genetics (formerly Invitae), Labcorp
Classification: Uncertain significance for Breast-ovarian cancer, familial, susceptibility to, 4. Last evaluated: 2024-04-16. Review status: criteria provided, single submitter. Criteria: Invitae Variant Classification Sherloc (09022015). Collection method: clinical testing. Allele origin: germline.
Comment: This sequence change replaces proline, which is neutral and non-polar, with leucine, which is neutral and non-polar, at codon 214 of the RAD51D protein (p.Pro214Leu). This variant is not present in population databases (gnomAD no frequency). This variant has not been reported in the literature in individuals affected with RAD51D-related conditions. ClinVar contains an entry for this variant (Variation ID: 574602). Advanced modeling of protein sequence and biophysical properties (such as structural, functional, and spatial information, amino acid conservation, physicochemical variation, residue mobility, and thermodynamic stability) performed at Invitae indicates that this missense variant is not expected to disrupt RAD51D protein function with a negative predictive value of 80%. In summary, the available evidence is currently insufficient to determine the role of this variant in disease. Therefore, it has been classified as a Variant of Uncertain Significance.

Baylor Genetics
Classification: Uncertain significance for Breast-ovarian cancer, familial, susceptibility to, 4. Last evaluated: 2024-02-28. Review status: criteria provided, single submitter. Criteria: ACMG Guidelines, 2015. Collection method: clinical testing. Allele origin: unknown.

GeneDx
Classification: Uncertain significance. Last evaluated: 2024-02-25. Review status: criteria provided, single submitter. Criteria: GeneDx Variant Classification Process June 2021. Collection method: clinical testing. Allele origin: germline.
Comment: Not observed at significant frequency in large population cohorts (gnomAD); In silico analysis supports that this missense variant has a deleterious effect on protein structure/function; Has not been previously published as pathogenic or benign to our knowledge; Also known as c.701C>T, p.Pro234Leu; This variant is associated with the following publications: (PMID: 21111057, 14704354, 36243179)